The following is an entry in ClinVar:

ClinVar aggregate classification (germline): Uncertain significance (1 of 4 stars; one submission).

Conditions:
Epidermolysis bullosa simplex 5B, with muscular dystrophy (EBS5B). Also called: EPIDERMOLYSIS BULLOSA SIMPLEX AND LIMB-GIRDLE MUSCULAR DYSTROPHY; Epidermolysis bullosa simplex with muscular dystrophy. Identifiers: Orphanet 257, MedGen C2931072, MONDO:0009181, OMIM 226670.
Epidermolysis bullosa simplex, Ogna type (EBS5A). Also called: Pidermolysis bullosa simplex 5A, Ogna type; EPIDERMOLYSIS BULLOSA SIMPLEX 5A, OGNA TYPE. Identifiers: Orphanet 79401, MedGen C0432317, MONDO:0007555, OMIM 131950.
Epidermolysis bullosa simplex with nail dystrophy (EBS5D). Identifiers: MedGen C4225309, MONDO:0014661, OMIM 616487.
Autosomal recessive limb-girdle muscular dystrophy type 2Q (LGMDR17). Also called: MUSCULAR DYSTROPHY, LIMB-GIRDLE, AUTOSOMAL RECESSIVE 17. Identifiers: Orphanet 254361, MedGen C3150989, MONDO:0013390, OMIM 613723.
Epidermolysis bullosa simplex 5C, with pyloric atresia (EBS5C). Also called: PLEC1-Related Epidermolysis Bullosa with Pyloric Atresia; PLEC-Related Epidermolysis Bullosa with Pyloric Atresia; Epidermolysis bullosa simplex with pyloric atresia. Identifiers: Orphanet 158684, MedGen C2677349, MONDO:0012807, OMIM 612138.

Submission:

Labcorp Genetics (formerly Invitae), Labcorp
Classification: Uncertain significance for Autosomal recessive limb-girdle muscular dystrophy type 2Q; Epidermolysis bullosa simplex, Ogna type; Epidermolysis bullosa simplex with nail dystrophy; Epidermolysis bullosa simplex 5C, with pyloric atresia; Epidermolysis bullosa simplex 5B, with muscular dystrophy. Last evaluated: 2020-11-27. Review status: criteria provided, single submitter. Criteria: Invitae Variant Classification Sherloc (09022015). Collection method: clinical testing. Allele origin: germline.
Comment: Algorithms developed to predict the effect of sequence changes on RNA splicing suggest that this variant may create or strengthen a splice site, but this prediction has not been confirmed by published transcriptional studies. Algorithms developed to predict the effect of missense changes on protein structure and function are either unavailable or do not agree on the potential impact of this missense change (SIFT: "Deleterious"; PolyPhen-2: "Not Available"; Align-GVGD: "Class C55"). This variant has not been reported in the literature in individuals with PLEC-related conditions. This variant is not present in population databases (ExAC no frequency). This sequence change replaces alanine with valine at codon 716 of the PLEC protein (p.Ala716Val). The alanine residue is highly conserved and there is a small physicochemical difference between alanine and valine. In summary, the available evidence is currently insufficient to determine the role of this variant in disease. Therefore, it has been classified as a Variant of Uncertain Significance.

NM_201384.3(PLEC):c.2066C>T (p.Ala689Val)

Gene: PLEC (plectin; minus strand). Cytogenetic location: 8q24.3.
Variant type: single nucleotide variant.
Coding change: c.2066C>T on transcript NM_201384.3 (MANE Select); coding-DNA position 2066, C replaced by T.
Protein change: p.Ala689Val; replaces alanine 689 with valine.
Molecular consequence: missense variant.
Genome position (GRCh38, 1-based): chr8:143,932,146, G>A on the plus strand (C>T on the coding strand, the complement: PLEC is on the minus strand). VCF-style: chr8-143932146-G-A. GRCh37 (hg19) VCF-style: chr8-145006314-G-A.
Other names: c.2147C>T, p.Ala716Val (NM_000445.5); c.2024C>T, p.Ala675Val (NM_201378.4); c.2000C>T, p.Ala667Val (NM_201379.3); c.2477C>T, p.Ala826Val (NM_201380.4); c.1970C>T, p.Ala657Val (NM_201381.3); c.2066C>T, p.Ala689Val (NM_201382.4); c.2078C>T, p.Ala693Val (NM_201383.3); short protein forms A667V, A716V, A657V, A689V, A693V, A826V, A675V.
Identifiers: ClinVar variation 1461887 (VCV001461887.8), dbSNP rs2131884804, ClinGen allele CA372577245.